The following is an entry in ClinVar:

ClinVar aggregate classification (germline): Uncertain significance (1 of 4 stars; one submission).

Submission:

Ambry Genetics
Classification: Uncertain significance. Last evaluated: 2025-05-16. Review status: criteria provided, single submitter. Criteria: Ambry Variant Classification Scheme 2023. Collection method: clinical testing. Allele origin: germline.
Comment: The p.P386A variant (also known as c.1156C>G), located in coding exon 2 of the CDK12 gene, results from a C to G substitution at nucleotide position 1156. The proline at codon 386 is replaced by alanine, an amino acid with highly similar properties. This amino acid position is conserved. In addition, this alteration is predicted to be tolerated by in silico analysis. Based on the available evidence, the clinical significance of this variant remains unclear.

NM_016507.4(CDK12):c.1156C>G (p.Pro386Ala)

Gene: CDK12 (cyclin dependent kinase 12; plus strand). Cytogenetic location: 17q12.
Variant type: single nucleotide variant.
Coding change: c.1156C>G on transcript NM_016507.4 (MANE Select); coding-DNA position 1156, C replaced by G.
Protein change: p.Pro386Ala; replaces proline 386 with alanine.
Molecular consequence: missense variant.
Genome position (GRCh38, 1-based): chr17:39,470,988, C>G. VCF-style: chr17-39470988-C-G. GRCh37 (hg19) VCF-style: chr17-37627241-C-G.
Other names: c.1156C>G, p.Pro386Ala (NM_015083.4); short protein forms P386A.
Identifiers: ClinVar variation 3999458 (VCV003999458.1).